The following is an entry in ClinVar:

NM_003640.5(ELP1):c.214G>T (p.Val72Phe)

Gene: ELP1 (elongator acetyltransferase complex subunit 1; minus strand). Cytogenetic location: 9q31.3.
Variant type: single nucleotide variant.
Coding change: c.214G>T on transcript NM_003640.5 (MANE Select); coding-DNA position 214, G replaced by T.
Protein change: p.Val72Phe; replaces valine 72 with phenylalanine.
Molecular consequence: missense variant. On other transcripts: 5 prime UTR variant (2).
Genome position (GRCh38, 1-based): chr9:108,929,858, C>A on the plus strand (G>T on the coding strand, the complement: ELP1 is on the minus strand). VCF-style: chr9-108929858-C-A. GRCh37 (hg19) VCF-style: chr9-111692138-C-A.
Other names: c.-129G>T (NM_001318360.2); c.-646G>T (NM_001330749.2); short protein forms V72F.
Identifiers: ClinVar variation 5039047 (VCV005039047.1).

ClinVar aggregate classification (germline): Uncertain significance (1 of 4 stars; one submission).

Submission:

CeGaT Center for Human Genetics Tuebingen
Classification: Uncertain significance. Last evaluated: 2026-08-01. Review status: criteria provided, single submitter. Criteria: CeGaT Center For Human Genetics Tuebingen Variant Classification Criteria Version 2. Collection method: clinical testing. Allele origin: germline. Affected: yes. Observed: 1 variant allele.
Comment: ELP1: PM2, BP4